The following is an entry in ClinVar:

NM_000057.4(BLM):c.1672A>G (p.Ile558Val)

Gene: BLM (BLM RecQ like helicase; plus strand). Cytogenetic location: 15q26.1.
Variant type: single nucleotide variant.
Coding change: c.1672A>G on transcript NM_000057.4 (MANE Select); coding-DNA position 1672, A replaced by G.
Protein change: p.Ile558Val; replaces isoleucine 558 with valine.
Molecular consequence: missense variant.
Genome position (GRCh38, 1-based): chr15:90,761,045, A>G. VCF-style: chr15-90761045-A-G. GRCh37 (hg19) VCF-style: chr15-91304275-A-G.
Other names: c.1672A>G, p.Ile558Val (NM_001287246.2, NM_001287247.2); c.547A>G, p.Ile183Val (NM_001287248.2); short protein forms I558V, I183V.
Identifiers: ClinVar variation 1777716 (VCV001777716.7), dbSNP rs2505427911, ClinGen allele CA393843581.
Genomic context (GRCh38, chr15:90,761,045, plus strand): 5'-GCTTCAATAAATGACTTAGAAAGAGAAACCCAACCTTCCTATGATATTGATAATTTTGAC[A>G]TAGATGACTTTGATGATGATGATGACTGGGAAGACATAATGCATAATTTAGCAGCCAGCA-3'
Protein context (NP_000048.1, residues 548-568): QPSYDIDNFD[Ile558Val]DDFDDDDDWE

ClinVar aggregate classification (germline): Uncertain significance. Review status: criteria provided, multiple submitters, no conflicts (2 of 4 stars). 2 submissions from 2 submitters: Uncertain significance (2). Last evaluated 2024-04-10.

Conditions:
Hereditary cancer-predisposing syndrome. Also called: Neoplastic Syndromes, Hereditary; Tumor predisposition; Hereditary Cancer Syndrome; Hereditary neoplastic syndrome. Identifiers: Orphanet 140162, MedGen C0027672, MeSH D009386, MONDO:0015356.
Bloom syndrome (BLM). Also called: Bloom-Torre-Machacek syndrome. Identifiers: Orphanet 125, MedGen C0005859, MONDO:0008876, OMIM 210900.

Allele frequency attached by ClinVar (database versions not stated): gnomAD exomes below 0.00001.
gnomAD v4.1: 2 of 1,591,958 alleles (0.00013%); highest among the groups gnomAD compares: African/African-American, 0.0014%; no homozygotes.

Submissions (2):

Labcorp Genetics (formerly Invitae), Labcorp
Classification: Uncertain significance for Bloom syndrome. Last evaluated: 2024-04-10. Review status: criteria provided, single submitter. Criteria: Invitae Variant Classification Sherloc (09022015). Collection method: clinical testing. Allele origin: germline.
Comment: This sequence change replaces isoleucine, which is neutral and non-polar, with valine, which is neutral and non-polar, at codon 558 of the BLM protein (p.Ile558Val). This variant is not present in population databases (gnomAD no frequency). This variant has not been reported in the literature in individuals affected with BLM-related conditions. ClinVar contains an entry for this variant (Variation ID: 1777716). Advanced modeling of protein sequence and biophysical properties (such as structural, functional, and spatial information, amino acid conservation, physicochemical variation, residue mobility, and thermodynamic stability) performed at Invitae indicates that this missense variant is not expected to disrupt BLM protein function with a negative predictive value of 80%. In summary, the available evidence is currently insufficient to determine the role of this variant in disease. Therefore, it has been classified as a Variant of Uncertain Significance.

Ambry Genetics
Classification: Uncertain significance for Hereditary cancer-predisposing syndrome. Last evaluated: 2020-11-03. Review status: criteria provided, single submitter. Criteria: Ambry Variant Classification Scheme 2023. Collection method: clinical testing. Allele origin: germline.
Comment: The p.I558V variant (also known as c.1672A>G), located in coding exon 6 of the BLM gene, results from an A to G substitution at nucleotide position 1672. The isoleucine at codon 558 is replaced by valine, an amino acid with highly similar properties. This amino acid position is highly conserved in available vertebrate species. In addition, this alteration is predicted to be tolerated by in silico analysis. Since supporting evidence is limited at this time, the clinical significance of this alteration remains unclear.